The following is an entry in ClinVar:

NM_000038.6(APC):c.6272G>C (p.Gly2091Ala)

Gene: APC (APC regulator of Wnt signaling pathway; plus strand). Cytogenetic location: 5q22.2.
Variant type: single nucleotide variant.
Coding change: c.6272G>C on transcript NM_000038.6 (MANE Select); coding-DNA position 6272, G replaced by C.
Protein change: p.Gly2091Ala; replaces glycine 2091 with alanine.
Molecular consequence: missense variant. On other transcripts: non-coding transcript variant (2).
Genome position (GRCh38, 1-based): chr5:112,841,866, G>C. VCF-style: chr5-112841866-G-C. GRCh37 (hg19) VCF-style: chr5-112177563-G-C.
Other names: c.5969G>C, p.Gly1990Ala (NM_001407460.1, NM_001407458.1, NM_001407459.1 and 1 more transcripts); c.5885G>C, p.Gly1962Ala (NM_001407467.1, NM_001407469.1); c.5423G>C, p.Gly1808Ala (NM_001407470.1, NM_001354906.2); c.5120G>C, p.Gly1707Ala (NM_001407471.1, NM_001407472.1); c.6272G>C, p.Gly2091Ala (NM_001407450.1, NM_001127510.3, NM_001354895.2); c.6251G>C, p.Gly2084Ala (NM_001407451.1); c.6242G>C, p.Gly2081Ala (NM_001407452.1); c.6095G>C, p.Gly2032Ala (NM_001407453.1, NM_001354901.2); and 11 more; short protein forms G1931A, G2091A, G1990A, G2008A, G2050A, G2063A, G2109A, G1707A.
Identifiers: ClinVar variation 3305431 (VCV003305431.1).

ClinVar aggregate classification (germline): Uncertain significance (1 of 4 stars; one submission).

Conditions:
Hereditary cancer-predisposing syndrome. Also called: Tumor predisposition; Hereditary Cancer Syndrome; Hereditary neoplastic syndrome; Neoplastic Syndromes, Hereditary. Identifiers: Orphanet 140162, MedGen C0027672, MeSH D009386, MONDO:0015356.

Submission:

Ambry Genetics
Classification: Uncertain significance for Hereditary cancer-predisposing syndrome. Last evaluated: 2024-05-19. Review status: criteria provided, single submitter. Criteria: Ambry Variant Classification Scheme 2023. Collection method: clinical testing. Allele origin: germline.
Comment: The p.G2091A variant (also known as c.6272G>C), located in coding exon 15 of the APC gene, results from a G to C substitution at nucleotide position 6272. The glycine at codon 2091 is replaced by alanine, an amino acid with similar properties. This amino acid position is conserved. In addition, in silico predictors for this gene do not accurately predict pathogenicity. Based on the available evidence, the clinical significance of this variant remains unclear.